The following is an entry in ClinVar:

NM_001243279.3(ACSF3):c.-30C>G

Gene: ACSF3 (acyl-CoA synthetase family member 3; plus strand). Cytogenetic location: 16q24.3.
Variant type: single nucleotide variant.
Coding change: c.-30C>G on transcript NM_001243279.3 (MANE Select); 30 bases upstream of the start codon, C replaced by G.
Molecular consequence: 5 prime UTR variant. On other transcripts: non-coding transcript variant (3), intron variant (2).
Genome position (GRCh38, 1-based): chr16:89,098,754, C>G. VCF-style: chr16-89098754-C-G. GRCh37 (hg19) VCF-style: chr16-89165162-C-G.
Other names: c.-30C>G (NM_174917.5); c.-20-1908C>G (NM_001127214.4); c.-129-3850C>G (NM_001284316.2).
Identifiers: ClinVar variation 682214 (VCV000682214.1), dbSNP rs548417953, ClinGen allele CA624216214.

ClinVar aggregate classification (germline): Likely benign (1 of 4 stars; one submission).

gnomAD v4.1: 5 of 454,150 alleles (0.0011%); highest among the groups gnomAD compares: Middle Eastern, 0.069%; no homozygotes.

Submission:

GeneDx
Classification: Likely benign. Last evaluated: 2018-05-04. Review status: criteria provided, single submitter. Criteria: GeneDx Variant Classification (06012015). Collection method: clinical testing. Allele origin: germline. Affected: yes.
Comment: This variant is considered likely benign or benign based on one or more of the following criteria: it is a conservative change, it occurs at a poorly conserved position in the protein, it is predicted to be benign by multiple in silico algorithms, and/or has population frequency not consistent with disease.